The following is an entry in ClinVar:

NM_001352027.3(PHF21A):c.1411C>G (p.Pro471Ala)

Gene: PHF21A (PHD finger protein 21A; minus strand). Cytogenetic location: 11p11.2.
Variant type: single nucleotide variant.
Coding change: c.1411C>G on transcript NM_001352027.3 (MANE Select); coding-DNA position 1411, C replaced by G.
Protein change: p.Pro471Ala; replaces proline 471 with alanine.
Molecular consequence: missense variant. On other transcripts: non-coding transcript variant (1), intron variant (6).
Genome position (GRCh38, 1-based): chr11:45,945,881, G>C on the plus strand (C>G on the coding strand, the complement: PHF21A is on the minus strand). VCF-style: chr11-45945881-G-C. GRCh37 (hg19) VCF-style: chr11-45967432-G-C.
Other names: c.1411C>G, p.Pro471Ala (NM_001352026.3, NM_001352025.3); c.1308+195C>G (NM_001352030.3, NM_001352031.3, NM_001352032.3); c.1311+195C>G (NM_016621.5, NM_001352028.1, NM_001352029.1); c.1408C>G, p.Pro470Ala (NM_001101802.3); short protein forms P470A, P471A.
Identifiers: ClinVar variation 3381446 (VCV003381446.2).
Genomic context (GRCh38, chr11:45,945,881, plus strand): 5'-CTTTTCCCAAGTTACTTACGTCTGTGGAGGTGGGGCTGGGCAGGGACACAGGCTGAACAG[G>C]TGCAGGGAAAGTGAATGTGGTCTCTGTCTTTTCATTTTCAGGGGAGTCAGGATGACTGGA-3'
Protein context (NP_001338956.1, residues 461-481): KTETTFTFPA[Pro471Ala]VQPVSLPSPT

ClinVar aggregate classification (germline): Uncertain significance (1 of 4 stars; one submission).

Submission:

GeneDx
Classification: Uncertain significance. Last evaluated: 2026-10-10. Review status: criteria provided, single submitter. Criteria: GeneDx Variant Classification Process June 2021. Collection method: clinical testing. Allele origin: germline.
Comment: Not observed at significant frequency in large population cohorts (gnomAD); In silico analysis suggests that this missense variant does not alter protein structure/function; Has not been previously published as pathogenic or benign to our knowledge; Reported using an alternate transcript of the gene